The following is an entry in ClinVar:

NM_032737.4(LMNB2):c.281C>T (p.Ala94Val)

Gene: LMNB2 (lamin B2; minus strand). Cytogenetic location: 19p13.3.
Variant type: single nucleotide variant.
Coding change: c.281C>T on transcript NM_032737.4 (MANE Select); coding-DNA position 281, C replaced by T.
Protein change: p.Ala94Val; replaces alanine 94 with valine.
Molecular consequence: missense variant.
Genome position (GRCh38, 1-based): chr19:2,444,524, G>A on the plus strand (C>T on the coding strand, the complement: LMNB2 is on the minus strand). VCF-style: chr19-2444524-G-A. GRCh37 (hg19) VCF-style: chr19-2444522-G-A.
Other names: short protein forms A94V.
Identifiers: ClinVar variation 652532 (VCV000652532.11), dbSNP rs778299381, ClinGen allele CA9067948.

ClinVar aggregate classification (germline): Conflicting classifications of pathogenicity. Review status: criteria provided, conflicting classifications (1 of 4 stars). 2 submissions from 2 submitters: Uncertain significance (1); Likely benign (1). Last evaluated 2025-12-17.

Conditions:
Lipodystrophy, partial, acquired, susceptibility to (APLD). Also called: APLD, SUSCEPTIBILITY TO. Identifiers: MedGen C3887501, MONDO:0100476, OMIM 608709.
Progressive myoclonic epilepsy type 9. Identifiers: Orphanet 457265, MedGen C4225289, MONDO:0014685, OMIM 616540.

Allele frequency attached by ClinVar (database versions not stated): gnomAD 0.00008; 1000 Genomes Project 30x 0.00031; TOPMed 0.00011; gnomAD exomes 0.00004.
gnomAD v4.1: 68 of 1,611,008 alleles (0.0042%); highest among the groups gnomAD compares: East Asian, 0.06%; no homozygotes.

Submissions (2):

Labcorp Genetics (formerly Invitae), Labcorp
Classification: Likely benign for Progressive myoclonic epilepsy type 9; Lipodystrophy, partial, acquired, susceptibility to. Last evaluated: 2025-12-17. Review status: criteria provided, single submitter. Criteria: Invitae Variant Classification Sherloc (09022015). Collection method: clinical testing. Allele origin: germline.

Baylor Genetics
Classification: Uncertain significance for Progressive myoclonic epilepsy type 9. Last evaluated: 2018-01-31. Review status: criteria provided, single submitter. Criteria: ACMG Guidelines, 2015. Collection method: clinical testing. Allele origin: maternal. Affected: yes.
Comment: This variant was determined to be of uncertain significance according to ACMG Guidelines, 2015 [PMID:25741868].